The following is an entry in ClinVar:

NM_001365951.3(KIF1B):c.3510G>T (p.Gln1170His)

Gene: KIF1B (kinesin family member 1B; plus strand). Cytogenetic location: 1p36.22.
Variant type: single nucleotide variant.
Coding change: c.3510G>T on transcript NM_001365951.3 (MANE Select); coding-DNA position 3510, G replaced by T.
Protein change: p.Gln1170His; replaces glutamine 1170 with histidine.
Molecular consequence: missense variant.
Genome position (GRCh38, 1-based): chr1:10,339,856, G>T. VCF-style: chr1-10339856-G-T. GRCh37 (hg19) VCF-style: chr1-10399914-G-T.
Other names: c.3510G>T, p.Gln1170His (NM_001365952.1); c.3372G>T, p.Gln1124His (NM_015074.3); short protein forms Q1124H, Q1170H.
Identifiers: ClinVar variation 2141201 (VCV002141201.4), dbSNP rs2521738297, ClinGen allele CA338341248.

ClinVar aggregate classification (germline): Uncertain significance (1 of 4 stars; one submission).

Conditions:
Charcot-Marie-Tooth disease type 2. Also called: Charcot-Marie-Tooth type 2. Identifiers: Orphanet 64746, MedGen C0270914, MONDO:0018993.

Submission:

Labcorp Genetics (formerly Invitae), Labcorp
Classification: Uncertain significance for Charcot-Marie-Tooth disease type 2. Last evaluated: 2022-08-30. Review status: criteria provided, single submitter. Criteria: Invitae Variant Classification Sherloc (09022015). Collection method: clinical testing. Allele origin: germline.
Comment: This sequence change replaces glutamine, which is neutral and polar, with histidine, which is basic and polar, at codon 1124 of the KIF1B protein (p.Gln1124His). This variant is not present in population databases (gnomAD no frequency). This variant has not been reported in the literature in individuals affected with KIF1B-related conditions. Algorithms developed to predict the effect of missense changes on protein structure and function are either unavailable or do not agree on the potential impact of this missense change (SIFT: "Deleterious"; PolyPhen-2: "Probably Damaging"; Align-GVGD: "Class C0"). In summary, the available evidence is currently insufficient to determine the role of this variant in disease. Therefore, it has been classified as a Variant of Uncertain Significance.